The following is an entry in ClinVar:

NM_001374828.1(ARID1B):c.3235+700C>G

Gene: ARID1B (AT-rich interaction domain 1B; plus strand). Cytogenetic location: 6q25.3.
Variant type: single nucleotide variant.
Coding change: c.3235+700C>G on transcript NM_001374828.1 (MANE Select); 700 bases into the intron after coding-DNA position 3235, C replaced by G.
Molecular consequence: intron variant.
Genome position (GRCh38, 1-based): chr6:157,167,885, C>G. VCF-style: chr6-157167885-C-G. GRCh37 (hg19) VCF-style: chr6-157489019-C-G.
Other names: p.?; c.3274+700C>G (NM_001371656.1, NM_001374820.1); c.3235+700C>G (NM_017519.3); c.736+700C>G (NM_001363725.2).
Identifiers: ClinVar variation 3378371 (VCV003378371.2).

ClinVar aggregate classification (germline): Likely pathogenic (1 of 4 stars; one submission).

Submission:

GeneDx
Classification: Likely pathogenic. Last evaluated: 2025-01-30. Review status: criteria provided, single submitter. Criteria: GeneDx Variant Classification Process June 2021. Collection method: clinical testing. Allele origin: germline. Affected: yes.
Comment: RNA studies demonstrate a damaging effect resulting in the inclusion of a 138bp cryptic exon in intron 10 (PMID: 39862869); In silico analysis suggests this variant may impact gene splicing.; No data available from control populations to assess the frequency of this variant; This variant is associated with the following publications: (PMID: 39862869)